The following is an entry in ClinVar:

NM_014140.4(SMARCAL1):c.2216A>C (p.Asp739Ala)

Gene: SMARCAL1 (SNF2 related chromatin remodeling annealing helicase 1; plus strand). Cytogenetic location: 2q35.
Variant type: single nucleotide variant.
Coding change: c.2216A>C on transcript NM_014140.4 (MANE Select); coding-DNA position 2216, A replaced by C.
Protein change: p.Asp739Ala; replaces aspartic acid 739 with alanine.
Molecular consequence: missense variant.
Genome position (GRCh38, 1-based): chr2:216,468,018, A>C. VCF-style: chr2-216468018-A-C. GRCh37 (hg19) VCF-style: chr2-217332741-A-C.
Other names: c.2216A>C, p.Asp739Ala (NM_001127207.2); short protein forms D739A.
Identifiers: ClinVar variation 2079096 (VCV002079096.4), dbSNP rs2469036805, ClinGen allele CA350503246.

ClinVar aggregate classification (germline): Uncertain significance (1 of 4 stars; one submission).

Conditions:
Schimke immuno-osseous dysplasia (SIOD). Also called: Schimke Immunoosseous Dysplasia. Identifiers: Orphanet 1830, MedGen C0877024, MONDO:0009458, OMIM 242900.

Submission:

Labcorp Genetics (formerly Invitae), Labcorp
Classification: Uncertain significance for Schimke immuno-osseous dysplasia. Last evaluated: 2022-01-11. Review status: criteria provided, single submitter. Criteria: Invitae Variant Classification Sherloc (09022015). Collection method: clinical testing. Allele origin: germline.
Comment: In summary, the available evidence is currently insufficient to determine the role of this variant in disease. Therefore, it has been classified as a Variant of Uncertain Significance. This sequence change replaces aspartic acid, which is acidic and polar, with alanine, which is neutral and non-polar, at codon 739 of the SMARCAL1 protein (p.Asp739Ala). This variant is not present in population databases (gnomAD no frequency). This variant has not been reported in the literature in individuals affected with SMARCAL1-related conditions. Algorithms developed to predict the effect of missense changes on protein structure and function are either unavailable or do not agree on the potential impact of this missense change (SIFT: "Deleterious"; PolyPhen-2: "Possibly Damaging"; Align-GVGD: "Class C0").